The following is an entry in ClinVar:

NM_007254.4(PNKP):c.816+20C>T

Gene: PNKP (polynucleotide kinase 3'-phosphatase; minus strand). Cytogenetic location: 19q13.33.
Variant type: single nucleotide variant.
Coding change: c.816+20C>T on transcript NM_007254.4 (MANE Select); 20 bases into the intron after coding-DNA position 816, C replaced by T.
Molecular consequence: intron variant.
Genome position (GRCh38, 1-based): chr19:49,863,669, G>A on the plus strand (C>T on the coding strand, the complement: PNKP is on the minus strand). VCF-style: chr19-49863669-G-A. GRCh37 (hg19) VCF-style: chr19-50366926-G-A.
Identifiers: ClinVar variation 138713 (VCV000138713.13), dbSNP rs372038893, ClinGen allele CA292798.

ClinVar aggregate classification (germline): Benign/Likely benign. Review status: criteria provided, multiple submitters, no conflicts (2 of 4 stars). 3 submissions from 3 submitters: Benign (2); Likely benign (1). Last evaluated 2025-12-30.

Conditions:
Developmental and epileptic encephalopathy, 12 (DEE12). Identifiers: MedGen C3150988, MONDO:0013389, OMIM 613722.

Allele frequency attached by ClinVar (database versions not stated): ExAC 0.00044; gnomAD 0.00053 and 0.00059; ESP Exome Variant Server 0.00063; TOPMed 0.00065.
gnomAD v4.1: 203 of 1,543,554 alleles (0.013%); highest among the groups gnomAD compares: African/African-American, 0.2%; 1 homozygote.

Submissions (3):

Labcorp Genetics (formerly Invitae), Labcorp
Classification: Benign for Developmental and epileptic encephalopathy, 12. Last evaluated: 2025-12-30. Review status: criteria provided, single submitter. Criteria: Invitae Variant Classification Sherloc (09022015). Collection method: clinical testing. Allele origin: germline.

Blueprint Genetics
Classification: Likely benign. Last evaluated: 2023-10-16. Review status: criteria provided, single submitter. Criteria: ACMG Guidelines, 2015. Collection method: clinical testing. Allele origin: germline.

GeneDx
Classification: Benign. Last evaluated: 2014-02-17. Review status: criteria provided, single submitter. Criteria: GeneDx Variant Classification (06012015). Collection method: clinical testing. Allele origin: germline. Affected: yes.
Comment: This variant is considered likely benign or benign based on one or more of the following criteria: it is a conservative change, it occurs at a poorly conserved position in the protein, it is predicted to be benign by multiple in silico algorithms, and/or has population frequency not consistent with disease.